The following is an entry in ClinVar:

NM_003482.4(KMT2D):c.14976_14977delinsAT (p.Leu4992_Leu4993=)

Gene: KMT2D (lysine methyltransferase 2D; minus strand). Cytogenetic location: 12q13.12.
Variant type: Indel.
Coding change: c.14976_14977delinsAT on transcript NM_003482.4 (MANE Select); coding-DNA positions 14976 to 14977, GC replaced by AT.
Protein change: p.Leu4992_Leu4993=.
Molecular consequence: synonymous variant.
Genome position (GRCh38, 1-based): chr12:49,026,989-49,026,990, GC replaced by AT on the plus strand (GC replaced by AT on the coding strand, the reverse complement: KMT2D is on the minus strand). VCF-style: chr12-49026989-GC-AT. GRCh37 (hg19) VCF-style: chr12-49420772-GC-AT.
Identifiers: ClinVar variation 4778400 (VCV004778400.1).

ClinVar aggregate classification (germline): Uncertain significance (1 of 4 stars; one submission).

Conditions:
Kabuki syndrome. Also called: Kabuki make-up syndrome; NIIKAWA-KUROKI SYNDROME. Identifiers: Orphanet 2322, MedGen C0796004, MONDO:0016512.

Submission:

Labcorp Genetics (formerly Invitae), Labcorp
Classification: Uncertain significance for Kabuki syndrome. Last evaluated: 2025-07-15. Review status: criteria provided, single submitter. Criteria: Invitae Variant Classification Sherloc (09022015). Collection method: clinical testing. Allele origin: germline.
Comment: This sequence change affects codon 4992 of the KMT2D mRNA. It is a 'silent' change, meaning that it does not change the encoded amino acid sequence of the KMT2D protein. Information on the frequency of this variant in the gnomAD database is not available, as this variant may be reported differently in the database. This variant has not been reported in the literature in individuals affected with KMT2D-related conditions. Experimental studies and prediction algorithms are not available or were not evaluated, and the functional significance of this variant is currently unknown. In summary, the available evidence is currently insufficient to determine the role of this variant in disease. Therefore, it has been classified as a Variant of Uncertain Significance.